The following is an entry in ClinVar:

NM_002730.4(PRKACA):c.642A>C (p.Lys214Asn)

Gene: PRKACA (protein kinase cAMP-activated catalytic subunit alpha; minus strand). Cytogenetic location: 19p13.12.
Variant type: single nucleotide variant.
Coding change: c.642A>C on transcript NM_002730.4 (MANE Select); coding-DNA position 642, A replaced by C.
Protein change: p.Lys214Asn; replaces lysine 214 with asparagine.
Molecular consequence: missense variant.
Genome position (GRCh38, 1-based): chr19:14,097,579, T>G on the plus strand (A>C on the coding strand, the complement: PRKACA is on the minus strand). VCF-style: chr19-14097579-T-G. GRCh37 (hg19) VCF-style: chr19-14208391-T-G.
Other names: c.870A>C, p.Lys290Asn (NM_001304349.2); c.618A>C, p.Lys206Asn (NM_207518.3); short protein forms K206N, K214N, K290N.
Identifiers: ClinVar variation 4074557 (VCV004074557.1).

ClinVar aggregate classification (germline): Uncertain significance (1 of 4 stars; one submission).

Submission:

GeneDx
Classification: Uncertain significance. Last evaluated: 2025-02-10. Review status: criteria provided, single submitter. Criteria: GeneDx Variant Classification Process June 2021. Collection method: clinical testing. Allele origin: germline. Affected: yes.
Comment: Not observed at significant frequency in large population cohorts (gnomAD); In silico analysis supports that this missense variant has a deleterious effect on protein structure/function; Has not been previously published as pathogenic or benign to our knowledge